The following is an entry in ClinVar:

ClinVar aggregate classification (germline): Conflicting classifications of pathogenicity. Review status: criteria provided, conflicting classifications (1 of 4 stars). 2 submissions from 2 submitters: Uncertain significance (1); Likely benign (1). Last evaluated 2025-12-01.

Conditions:
Koolen-de Vries syndrome (KDVS). Identifiers: Orphanet 96169, MedGen C1864871, MONDO:0012496, OMIM 610443.

gnomAD v4.1: 5 of 1,612,406 alleles (0.00031%); highest among the groups gnomAD compares: Admixed American, 0.0083%; no homozygotes.

Submissions (2):

Labcorp Genetics (formerly Invitae), Labcorp
Classification: Likely benign for Koolen-de Vries syndrome. Last evaluated: 2025-12-01. Review status: criteria provided, single submitter. Criteria: Invitae Variant Classification Sherloc (09022015). Collection method: clinical testing. Allele origin: germline.

GeneDx
Classification: Uncertain significance. Last evaluated: 2024-09-05. Review status: criteria provided, single submitter. Criteria: GeneDx Variant Classification Process June 2021. Collection method: clinical testing. Allele origin: germline. Affected: yes.
Comment: Has not been previously published as pathogenic or benign to our knowledge; In silico analysis suggests this variant may impact gene splicing. In the absence of RNA/functional studies, the actual effect of this sequence change is unknown.

NM_015443.4(KANSL1):c.1830C>A (p.Ile610=)

Gene: KANSL1 (KAT8 regulatory NSL complex subunit 1). Cytogenetic location: 17q21.31.
Variant type: single nucleotide variant.
Coding change: c.1830C>A on transcript NM_015443.4 (MANE Select); coding-DNA position 1830, C replaced by A.
Protein change: p.Ile610=; no amino-acid change (isoleucine 610 retained).
Molecular consequence: synonymous variant.
Genome position (GRCh38, 1-based): chr17:46,066,555, G>T on the plus strand (C>A on the coding strand, the complement: KANSL1 is on the minus strand). VCF-style: chr17-46066555-G-T. GRCh37 (hg19) VCF-style: chr17-44143921-G-T.
Other names: c.1830C>A, p.Ile610= (NM_001193465.2, NM_001193466.2, NM_001379198.1).
Identifiers: ClinVar variation 381952 (VCV000381952.13), dbSNP rs150800846, ClinGen allele CA8618719.